The following is an entry in ClinVar:

ClinVar aggregate classification (germline): Uncertain significance. Review status: criteria provided, multiple submitters, no conflicts (2 of 4 stars). 2 submissions from 2 submitters: Uncertain significance (2). Last evaluated 2024-02-06.

Conditions:
Inborn genetic diseases. Identifiers: MedGen C0950123, MeSH D030342.
Intellectual developmental disorder, autosomal recessive 3. Also called: Intellectual disability, autosomal recessive 3. Identifiers: Orphanet 88616, MedGen C1838023, MONDO:0012037, OMIM 608443.

Allele frequency attached by ClinVar (database versions not stated): 1000 Genomes Project 0.00020; 1000 Genomes Project 30x 0.00016.
gnomAD v4.1: 186 of 1,614,140 alleles (0.012%); highest among the groups gnomAD compares: South Asian, 0.079%; no homozygotes.

Submissions (2):

Baylor Genetics
Classification: Uncertain significance for Intellectual developmental disorder, autosomal recessive 3. Last evaluated: 2024-02-06. Review status: criteria provided, single submitter. Criteria: ACMG Guidelines, 2015. Collection method: clinical testing. Allele origin: unknown.

Ambry Genetics
Classification: Uncertain significance for Inborn genetic diseases. Last evaluated: 2018-03-16. Review status: criteria provided, single submitter. Criteria: Ambry Variant Classification Scheme 2023. Collection method: clinical testing. Allele origin: germline.
Comment: The c.2073+5G>T intronic variant results from a G to T substitution 5 nucleotides after coding exon 19 in the CC2D1A gene. This nucleotide position is highly conserved in available vertebrate species. Using the BDGP and ESEfinder splice site prediction tools, this alteration is predicted to weaken the efficiency of the native splice donor site; however, direct evidence is unavailable. Since supporting evidence is limited at this time, the clinical significance of this alteration remains unclear.

NM_017721.5(CC2D1A):c.2073+5G>T

Gene: CC2D1A (coiled-coil and C2 domain containing 1A; plus strand). Cytogenetic location: 19p13.12.
Variant type: single nucleotide variant.
Coding change: c.2073+5G>T on transcript NM_017721.5 (MANE Select); 5 bases into the intron after coding-DNA position 2073, G replaced by T.
Molecular consequence: intron variant.
Genome position (GRCh38, 1-based): chr19:13,926,730, G>T. VCF-style: chr19-13926730-G-T. GRCh37 (hg19) VCF-style: chr19-14037543-G-T.
Identifiers: ClinVar variation 1785420 (VCV001785420.3), dbSNP rs200005213, ClinGen allele CA9244915.
Genomic context (GRCh38, chr19:13,926,730, plus strand): 5'-TGTCCCCTGGCGATCTGGATGTCTTTGTTCGGTTTGACTTCCCCTATCCCAACGTGGTAC[G>T]TGGGGAGCTGAGGAGGGGAGGGCTGCAGCCTCAGTGGGCCAAAGCCAGGTCCCAGGCCCC-3'